The following is an entry in ClinVar:

NM_001257180.2(SLC20A2):c.811T>C (p.Phe271Leu)

Gene: SLC20A2 (solute carrier family 20 member 2; minus strand). Cytogenetic location: 8p11.21.
Variant type: single nucleotide variant.
Coding change: c.811T>C on transcript NM_001257180.2 (MANE Select); coding-DNA position 811, T replaced by C.
Protein change: p.Phe271Leu; replaces phenylalanine 271 with leucine.
Molecular consequence: missense variant.
Genome position (GRCh38, 1-based): chr8:42,439,573, A>G on the plus strand (T>C on the coding strand, the complement: SLC20A2 is on the minus strand). VCF-style: chr8-42439573-A-G. GRCh37 (hg19) VCF-style: chr8-42297091-A-G.
Other names: c.811T>C, p.Phe271Leu (NM_001257181.2, NM_006749.5); short protein forms F271L.
Identifiers: ClinVar variation 2577073 (VCV002577073.1), dbSNP rs771260540, ClinGen allele CA4733455.

ClinVar aggregate classification (germline): Uncertain significance (1 of 4 stars; one submission).

Allele frequency attached by ClinVar (database versions not stated): ExAC 0.00001.
gnomAD v4.1: 1 of 1,614,168 alleles (0.000062%); highest among the groups gnomAD compares: Admixed American, 0.0017%; no homozygotes.

Submission:

Women's Health and Genetics/Laboratory Corporation of America, LabCorp
Classification: Uncertain significance. Last evaluated: 2023-07-06. Review status: criteria provided, single submitter. Criteria: LabCorp Variant Classification Summary - May 2015. Collection method: clinical testing. Allele origin: germline.
Comment: Variant summary: SLC20A2 c.811T>C (p.Phe271Leu) results in a non-conservative amino acid change in the encoded protein sequence. Three of five in-silico tools predict a benign effect of the variant on protein function. The variant allele was found at a frequency of 4e-06 in 251492 control chromosomes (gnomAD). The available data on variant occurrences in the general population are insufficient to allow any conclusion about variant significance. To our knowledge, no occurrence of c.811T>C in individuals affected with Idiopathic Basal Ganglia Calcification 1 and no experimental evidence demonstrating its impact on protein function have been reported. No submitters have cited clinical-significance assessments for this variant to ClinVar after 2014. Based on the evidence outlined above, the variant was classified as uncertain significance.